The following is an entry in ClinVar:

NM_004795.4(KL):c.755G>A (p.Arg252His)

Gene: KL (klotho; plus strand). Cytogenetic location: 13q13.1.
Variant type: single nucleotide variant.
Coding change: c.755G>A on transcript NM_004795.4 (MANE Select); coding-DNA position 755, G replaced by A.
Protein change: p.Arg252His; replaces arginine 252 with histidine.
Molecular consequence: missense variant.
Genome position (GRCh38, 1-based): chr13:33,017,195, G>A. VCF-style: chr13-33017195-G-A. GRCh37 (hg19) VCF-style: chr13-33591333-G-A.
Other names: c.755G>A (NM_004795.3); short protein forms R252H.
Identifiers: ClinVar variation 1933758 (VCV001933758.6), dbSNP rs1343669027, ClinGen allele CA387782488.

ClinVar aggregate classification (germline): Uncertain significance. Review status: criteria provided, multiple submitters, no conflicts (2 of 4 stars). 2 submissions from 2 submitters: Uncertain significance (2). Last evaluated 2025-11-26.

Allele frequency attached by ClinVar (database versions not stated): gnomAD 0.00001; TOPMed 0.00002.
gnomAD v4.1: 7 of 1,597,492 alleles (0.00044%); highest among the groups gnomAD compares: African/African-American, 0.0053%; no homozygotes.

Submissions (2):

Ambry Genetics
Classification: Uncertain significance. Last evaluated: 2025-11-26. Review status: criteria provided, single submitter. Criteria: Ambry Variant Classification Scheme 2023. Collection method: clinical testing. Allele origin: germline.

Labcorp Genetics (formerly Invitae), Labcorp
Classification: Uncertain significance. Last evaluated: 2025-07-28. Review status: criteria provided, single submitter. Criteria: Invitae Variant Classification Sherloc (09022015). Collection method: clinical testing. Allele origin: germline.
Comment: This sequence change replaces arginine, which is basic and polar, with histidine, which is basic and polar, at codon 252 of the KL protein (p.Arg252His). This variant is present in population databases (no rsID available, gnomAD 0.009%). This variant has not been reported in the literature in individuals affected with KL-related conditions. ClinVar contains an entry for this variant (Variation ID: 1933758). Invitae Evidence Modeling of protein sequence and biophysical properties (such as structural, functional, and spatial information, amino acid conservation, physicochemical variation, residue mobility, and thermodynamic stability) indicates that this missense variant is not expected to disrupt KL protein function with a negative predictive value of 80%. In summary, the available evidence is currently insufficient to determine the role of this variant in disease. Therefore, it has been classified as a Variant of Uncertain Significance.